The following is an entry in ClinVar:

NM_153816.6(SNX14):c.395A>G (p.Lys132Arg)

Gene: SNX14 (sorting nexin 14; minus strand). Cytogenetic location: 6q14.3.
Variant type: single nucleotide variant.
Coding change: c.395A>G on transcript NM_153816.6 (MANE Select); coding-DNA position 395, A replaced by G.
Protein change: p.Lys132Arg; replaces lysine 132 with arginine.
Molecular consequence: missense variant. On other transcripts: 5 prime UTR variant (9), non-coding transcript variant (6).
Genome position (GRCh38, 1-based): chr6:85,572,159, T>C on the plus strand (A>G on the coding strand, the complement: SNX14 is on the minus strand). VCF-style: chr6-85572159-T-C. GRCh37 (hg19) VCF-style: chr6-86281877-T-C.
Other names: c.239A>G, p.Lys80Arg (NM_001304479.2, NM_001350542.2, NM_001350544.2); c.458A>G, p.Lys153Arg (NM_001350532.2); c.395A>G, p.Lys132Arg (NM_001297614.3, NM_001350536.2, NM_001350538.2 and 3 more transcripts); c.392A>G, p.Lys131Arg (NM_001350533.2, NM_001350534.2, NM_001350535.2 and 1 more transcripts); c.236A>G, p.Lys79Arg (NM_001350539.2, NM_001350543.2); c.-6A>G (NM_001350545.2, NM_001350546.2); c.-571A>G (NM_001350547.2); c.-625A>G (NM_001350548.2); and 3 more; short protein forms K79R, K80R, K153R, K131R, K132R.
Identifiers: ClinVar variation 2132880 (VCV002132880.4), dbSNP rs2536879355, ClinGen allele CA364902735.

ClinVar aggregate classification (germline): Uncertain significance (1 of 4 stars; one submission).

Submission:

Labcorp Genetics (formerly Invitae), Labcorp
Classification: Uncertain significance. Last evaluated: 2026-01-19. Review status: criteria provided, single submitter. Criteria: Invitae Variant Classification Sherloc (09022015). Collection method: clinical testing. Allele origin: germline.
Comment: This sequence change replaces lysine, which is basic and polar, with arginine, which is basic and polar, at codon 132 of the SNX14 protein (p.Lys132Arg). This variant is not present in population databases (gnomAD no frequency). This variant has not been reported in the literature in individuals affected with SNX14-related conditions. ClinVar contains an entry for this variant (Variation ID: 2132880). Invitae Evidence Modeling of protein sequence and biophysical properties (such as structural, functional, and spatial information, amino acid conservation, physicochemical variation, residue mobility, and thermodynamic stability) indicates that this missense variant is not expected to disrupt SNX14 protein function with a negative predictive value of 80%. In summary, the available evidence is currently insufficient to determine the role of this variant in disease. Therefore, it has been classified as a Variant of Uncertain Significance.